The following is an entry in ClinVar:

NM_000246.4(CIITA):c.2888C>T (p.Ala963Val)

Gene: CIITA (class II major histocompatibility complex transactivator; plus strand). Cytogenetic location: 16p13.13.
Variant type: single nucleotide variant.
Coding change: c.2888C>T on transcript NM_000246.4 (MANE Select); coding-DNA position 2888, C replaced by T.
Protein change: p.Ala963Val; replaces alanine 963 with valine.
Molecular consequence: missense variant. On other transcripts: non-coding transcript variant (1).
Genome position (GRCh38, 1-based): chr16:10,910,259, C>T. VCF-style: chr16-10910259-C-T. GRCh37 (hg19) VCF-style: chr16-11004116-C-T.
Other names: c.2891C>T, p.Ala964Val (NM_001286402.1, NM_001379332.1); c.1136C>T, p.Ala379Val (NM_001286403.2); c.2744C>T, p.Ala915Val (NM_001379330.1); c.2741C>T, p.Ala914Val (NM_001379331.1); c.2888C>T, p.Ala963Val (NM_001379333.1); c.2819C>T, p.Ala940Val (NM_001379334.1); short protein forms A915V, A914V, A963V, A940V, A379V, A964V.
Identifiers: ClinVar variation 2153887 (VCV002153887.2), dbSNP rs770282723, ClinGen allele CA7900530.

ClinVar aggregate classification (germline): Uncertain significance (1 of 4 stars; one submission).

Conditions:
MHC class II deficiency. Also called: Bare lymphocyte syndrome 2; BLS, TYPE II. Identifiers: Orphanet 572, MedGen C5447452, MONDO:0008855.

Allele frequency attached by ClinVar (database versions not stated): ExAC 0.00003; gnomAD 0.00003; gnomAD exomes 0.00005; TOPMed 0.00005.
gnomAD v4.1: 84 of 1,613,414 alleles (0.0052%); highest among the groups gnomAD compares: African/African-American, 0.008%; no homozygotes.

Submission:

Labcorp Genetics (formerly Invitae), Labcorp
Classification: Uncertain significance for MHC class II deficiency. Last evaluated: 2024-08-08. Review status: criteria provided, single submitter. Criteria: Invitae Variant Classification Sherloc (09022015). Collection method: clinical testing. Allele origin: germline.
Comment: This sequence change replaces alanine, which is neutral and non-polar, with valine, which is neutral and non-polar, at codon 963 of the CIITA protein (p.Ala963Val). This variant is present in population databases (rs770282723, gnomAD 0.01%). This variant has not been reported in the literature in individuals affected with CIITA-related conditions. ClinVar contains an entry for this variant (Variation ID: 2153887). An algorithm developed to predict the effect of missense changes on protein structure and function (PolyPhen-2) suggests that this variant is likely to be disruptive. In summary, the available evidence is currently insufficient to determine the role of this variant in disease. Therefore, it has been classified as a Variant of Uncertain Significance.